The following is an entry in ClinVar:

ClinVar aggregate classification (germline): Uncertain significance (1 of 4 stars; one submission).

Submission:

GeneDx
Classification: Uncertain significance. Last evaluated: 2024-03-09. Review status: criteria provided, single submitter. Criteria: GeneDx Variant Classification Process June 2021. Collection method: clinical testing. Allele origin: germline. Affected: yes.
Comment: Not observed in large population cohorts (gnomAD); In silico analysis supports that this missense variant has a deleterious effect on protein structure/function; Has not been previously published as pathogenic or benign to our knowledge

NM_001366521.1(ATP2B1):c.2912A>G (p.His971Arg)

Gene: ATP2B1 (ATPase plasma membrane Ca2+ transporting 1; minus strand). Cytogenetic location: 12q21.33.
Variant type: single nucleotide variant.
Coding change: c.2912A>G on transcript NM_001366521.1 (MANE Select); coding-DNA position 2912, A replaced by G.
Protein change: p.His971Arg; replaces histidine 971 with arginine.
Molecular consequence: missense variant. On other transcripts: non-coding transcript variant (3).
Genome position (GRCh38, 1-based): chr12:89,603,191, T>C on the plus strand (A>G on the coding strand, the complement: ATP2B1 is on the minus strand). VCF-style: chr12-89603191-T-C. GRCh37 (hg19) VCF-style: chr12-89996968-T-C.
Other names: c.2912A>G, p.His971Arg (NM_001001323.2, NM_001366520.1, NM_001366522.1 and 12 more transcripts); c.2714A>G, p.His905Arg (NM_001366530.1, NM_001413053.1); c.2351A>G, p.His784Arg (NM_001366531.1, NM_001366532.1, NM_001413058.1 and 2 more transcripts); c.2873A>G, p.His958Arg (NM_001413048.1); c.2771A>G, p.His924Arg (NM_001413051.1, NM_001413052.1, NM_001413055.1); c.2669A>G, p.His890Arg (NM_001413054.1); c.2657A>G, p.His886Arg (NM_001413056.1); c.2459A>G, p.His820Arg (NM_001413057.1); short protein forms H784R, H820R, H886R, H890R, H905R, H924R, H958R, H971R.
Identifiers: ClinVar variation 3340971 (VCV003340971.1).